The following is an entry in ClinVar:

NM_000059.4(BRCA2):c.1027A>G (p.Lys343Glu)

Gene: BRCA2 (BRCA2 DNA repair associated; plus strand). Cytogenetic location: 13q13.1.
Variant type: single nucleotide variant.
Coding change: c.1027A>G on transcript NM_000059.4 (MANE Select); coding-DNA position 1027, A replaced by G.
Protein change: p.Lys343Glu; replaces lysine 343 with glutamic acid.
Molecular consequence: missense variant. On other transcripts: non-coding transcript variant (1), intron variant (1).
Genome position (GRCh38, 1-based): chr13:32,332,505, A>G. VCF-style: chr13-32332505-A-G. GRCh37 (hg19) VCF-style: chr13-32906642-A-G.
Other names: c.1027A>G, p.Lys343Glu (NM_001406719.1, NM_001406720.1, NM_001406721.1 and 1 more transcripts); c.424+1475A>G (NM_001406722.1); short protein forms K343E.
Identifiers: ClinVar variation 4802272 (VCV004802272.1).

ClinVar aggregate classification (germline): Uncertain significance (1 of 4 stars; one submission).

Conditions:
Hereditary breast ovarian cancer syndrome. Also called: Hereditary breast and ovarian cancer syndrome (HBOC); Hereditary breast and ovarian cancer; Breast and ovarian cancer; Hereditary breast and/or ovarian cancer syndrome; BRCA1- and BRCA2-Associated Hereditary Breast and Ovarian Cancer; Hereditary breast and ovarian cancer syndrome. Identifiers: Orphanet 145, MedGen C0677776, MeSH D061325, MONDO:0003582. Disease mechanism: loss of function.

Submission:

Labcorp Genetics (formerly Invitae), Labcorp
Classification: Uncertain significance for Hereditary breast ovarian cancer syndrome. Last evaluated: 2025-09-20. Review status: criteria provided, single submitter. Criteria: Invitae Variant Classification Sherloc (09022015). Collection method: clinical testing. Allele origin: germline.
Comment: This sequence change replaces lysine, which is basic and polar, with glutamic acid, which is acidic and polar, at codon 343 of the BRCA2 protein (p.Lys343Glu). This variant is not present in population databases (gnomAD no frequency). This variant has not been reported in the literature in individuals affected with BRCA2-related conditions. Invitae Evidence Modeling of protein sequence and biophysical properties (such as structural, functional, and spatial information, amino acid conservation, physicochemical variation, residue mobility, and thermodynamic stability) indicates that this missense variant is not expected to disrupt BRCA2 protein function with a negative predictive value of 95%. In summary, the available evidence is currently insufficient to determine the role of this variant in disease. Therefore, it has been classified as a Variant of Uncertain Significance.